The following is an entry in ClinVar:

ClinVar aggregate classification (germline): Uncertain significance. Review status: criteria provided, multiple submitters, no conflicts (2 of 4 stars). 3 submissions from 3 submitters: Uncertain significance (3). Last evaluated 2025-11-25.

Conditions:
TTC21B-related disorder. Also called: TTC21B-related condition; TTC21B-related disorders.
Jeune thoracic dystrophy. Also called: Short-rib thoracic dysplasia; Jeune syndrome; Infantile thoracic dystrophy; Thoracic pelvic phalangeal dystrophy; Jeune's syndrome; Chondroectodermal dysplasia-like syndrome. Identifiers: Orphanet 474, MedGen C0265275, MONDO:0018770.
Nephronophthisis. Also called: Juvenile Nephronophthisis. Identifiers: Orphanet 655, MedGen C0687120, MONDO:0019005, HP:0000090.

Allele frequency attached by ClinVar (database versions not stated): gnomAD exomes 0.00002; ExAC 0.00003; gnomAD 0.00005; TOPMed 0.00005; ESP Exome Variant Server 0.00023.
gnomAD v4.1: 42 of 1,612,060 alleles (0.0026%); highest among the groups gnomAD compares: Non-Finnish European, 0.0032%; no homozygotes.

Submissions (3):

PreventionGenetics, part of Exact Sciences
Classification: Uncertain significance for TTC21B-related condition. Last evaluated: 2025-11-25. Review status: criteria provided, single submitter. Criteria: ACMG Guidelines, 2015. Collection method: clinical testing. Allele origin: germline.
Comment: The TTC21B c.1906G>A variant is predicted to result in the amino acid substitution p.Ala636Thr. To our knowledge, this variant has not been reported in the literature. This variant is reported in 0.0062% of alleles in individuals of European (Non-Finnish) descent in gnomAD. At this time, the clinical significance of this variant is uncertain due to the absence of conclusive functional and genetic evidence.

Blueprint Genetics
Classification: Uncertain significance. Last evaluated: 2024-10-03. Review status: criteria provided, single submitter. Criteria: ACMG Guidelines, 2015. Collection method: clinical testing. Allele origin: germline.

Labcorp Genetics (formerly Invitae), Labcorp
Classification: Uncertain significance for Jeune thoracic dystrophy; Nephronophthisis. Last evaluated: 2022-04-20. Review status: criteria provided, single submitter. Criteria: Invitae Variant Classification Sherloc (09022015). Collection method: clinical testing. Allele origin: germline.
Comment: This sequence change replaces alanine, which is neutral and non-polar, with threonine, which is neutral and polar, at codon 636 of the TTC21B protein (p.Ala636Thr). This variant is present in population databases (rs139763381, gnomAD 0.007%). This variant has not been reported in the literature in individuals affected with TTC21B-related conditions. Algorithms developed to predict the effect of missense changes on protein structure and function (SIFT, PolyPhen-2, Align-GVGD) all suggest that this variant is likely to be disruptive. In summary, the available evidence is currently insufficient to determine the role of this variant in disease. Therefore, it has been classified as a Variant of Uncertain Significance.

NM_024753.5(TTC21B):c.1906G>A (p.Ala636Thr)

Gene: TTC21B (tetratricopeptide repeat domain 21B; minus strand). Cytogenetic location: 2q24.3.
Variant type: single nucleotide variant.
Coding change: c.1906G>A on transcript NM_024753.5 (MANE Select); coding-DNA position 1906, G replaced by A.
Protein change: p.Ala636Thr; replaces alanine 636 with threonine.
Molecular consequence: missense variant.
Genome position (GRCh38, 1-based): chr2:165,915,433, C>T on the plus strand (G>A on the coding strand, the complement: TTC21B is on the minus strand). VCF-style: chr2-165915433-C-T. GRCh37 (hg19) VCF-style: chr2-166771943-C-T.
Other names: c.1906G>A (NM_024753.4); short protein forms A636T.
Identifiers: ClinVar variation 2084901 (VCV002084901.3), dbSNP rs139763381, ClinGen allele CA1941976.